The following is an entry in ClinVar:

ClinVar aggregate classification (germline): Pathogenic/Likely pathogenic. Review status: criteria provided, multiple submitters, no conflicts (2 of 4 stars). 5 submissions from 5 submitters: Pathogenic (1); Likely pathogenic (3). 1 of the submissions does not count toward it. Last evaluated 2025-09-23.

Conditions:
Marfan Syndrome/Loeys-Dietz Syndrome/Familial Thoracic Aortic Aneurysms and Dissections. Identifiers: MedGen CN229799.
Marfan syndrome (MFS). Also called: Marfan syndrome, classic; Marfan syndrome type 1; Marfan's syndrome; MARFAN SYNDROME, TYPE I; FBN1-Related Marfan Syndrome. Identifiers: Orphanet 284963, Orphanet 558, MedGen C0024796, MONDO:0007947, OMIM 154700.
Familial thoracic aortic aneurysm and aortic dissection (TAAD). Also called: Thoracic aortic aneurysms and dissections. Identifiers: Orphanet 91387, MedGen C4707243, MONDO:0019625.

Submissions (5):

Ambry Genetics
Classification: Likely pathogenic for Familial thoracic aortic aneurysm and aortic dissection. Last evaluated: 2025-09-23. Review status: criteria provided, single submitter. Criteria: Ambry Variant Classification Scheme 2023. Collection method: clinical testing. Allele origin: germline.
Comment: The p.G2627R variant (also known as c.7879G>C), located in coding exon 63 of the FBN1 gene, results from a G to C substitution at nucleotide position 7879. The glycine at codon 2627 is replaced by arginine, an amino acid with dissimilar properties. This variant was reported in individual(s) with features consistent with Marfan syndrome (Karttunen L et al. Am J Hum Genet, 1994 Dec;55:1083-91; Hung CC et al. Ann Hum Genet, 2009 Nov;73:559-67; Ambry internal data). This variant is considered to be rare based on population cohorts in the Genome Aggregation Database (gnomAD). This amino acid position is highly conserved in available vertebrate species. In addition, this alteration is predicted to be deleterious by in silico analysis. Based on the majority of available evidence to date, this variant is likely to be pathogenic.

Labcorp Genetics (formerly Invitae), Labcorp
Classification: Pathogenic for Marfan syndrome; Familial thoracic aortic aneurysm and aortic dissection. Last evaluated: 2025-03-31. Review status: criteria provided, single submitter. Criteria: Invitae Variant Classification Sherloc (09022015). Collection method: clinical testing. Allele origin: germline.
Comment: This sequence change replaces glycine, which is neutral and non-polar, with arginine, which is basic and polar, at codon 2627 of the FBN1 protein (p.Gly2627Arg). This variant is not present in population databases (gnomAD no frequency). This missense change has been observed in individuals with clinical features of Marfan syndrome (PMID: 7977366, 19839986; internal data). ClinVar contains an entry for this variant (Variation ID: 372606). Invitae Evidence Modeling of protein sequence and biophysical properties (such as structural, functional, and spatial information, amino acid conservation, physicochemical variation, residue mobility, and thermodynamic stability) indicates that this missense variant is expected to disrupt FBN1 protein function with a positive predictive value of 95%. For these reasons, this variant has been classified as Pathogenic.

Women's Health and Genetics/Laboratory Corporation of America, LabCorp
Classification: Likely pathogenic for Marfan Syndrome/Loeys-Dietz Syndrome/Familial Thoracic Aortic Aneurysms and Dissections. Last evaluated: 2024-07-02. Review status: criteria provided, single submitter. Criteria: LabCorp Variant Classification Summary - May 2015. Collection method: clinical testing. Allele origin: germline.
Comment: Variant summary: FBN1 c.7879G>C (p.Gly2627Arg) results in a non-conservative amino acid change located in the EGF-like domain (IPR000742) of the encoded protein sequence. Five of five in-silico tools predict a damaging effect of the variant on protein function. The variant was absent in 251378 control chromosomes (gnomAD). c.7879G>C has been reported in the literature in at least an individual affected with Marfan Syndrome (example: Hung_2009). The mother of the child was heterozygous for the variant and was affected with Marfan syndrome. Biochemical studies of fibroblast cultures from the child and both parents pointed to a severely disturbed assembly of microfibrils (Karttunen_1994). These data together indicate that the c.7879G>C variant is likely to be associated with disease. The following publications have been ascertained in the context of this evaluation (PMID: 7977366, 19839986). ClinVar contains an entry for this variant (Variation ID: 372606). Based on the evidence outlined above, the variant was classified as likely pathogenic.

GeneDx
Classification: Likely pathogenic. Last evaluated: 2020-08-04. Review status: criteria provided, single submitter. Criteria: GeneDx Variant Classification Process June 2021. Collection method: clinical testing. Allele origin: germline. Affected: yes.
Comment: Not observed in large population cohorts (Lek et al., 2016); In silico analysis supports that this missense variant has a deleterious effect on protein structure/function; Published functional studies suggest G2627R exerts a damaging effect to the biosynthesis and secretion of profibrillin (Karttunen et al., 1994); Although located in a calcium-binding EGF-like domain of the FBN1 gene, it does not affect a cysteine residue within this domain; cysteine substitutions in the calcium-binding EGF-like domains represent the majority of pathogenic missense changes associated with FBN1-related disorders (Collod-Beroud et al., 2003); Reported in ClinVar (ClinVar Variant ID# 372606; Landrum et al., 2016); Located at a residue involved in domain packing and predicted to alter interaction of calcium-binding EGF-like domains (Downing et al., 1996); Same missense substitution due to a different nucleotide change (c.7879 G>A) reported in an infant with severe manifestation of Marfan syndrome and biallelic variants in the FBN1 gene; the heterozygous parent had milder features of Marfan syndrome (Karttunen et al., 1994); This variant is associated with the following publications: (PMID: 10633129, 8653794, 31098894, 19839986, 7977366)

Center for Medical Genetics Ghent, University of Ghent
Classification: Uncertain significance for Marfan syndrome. Last evaluated: 2017-11-07. Review status: no assertion criteria provided. Collection method: clinical testing. Allele origin: germline. Affected: yes. Not counted in ClinVar's aggregate classification.

Literature cited by the submitters: PubMed 19839986 (cited by 3 submitters); PubMed 7977366 (cited by 3 submitters).

NM_000138.5(FBN1):c.7879G>C (p.Gly2627Arg)

Gene: FBN1 (fibrillin 1; minus strand). Cytogenetic location: 15q21.1.
Variant type: single nucleotide variant.
Coding change: c.7879G>C on transcript NM_000138.5 (MANE Select); coding-DNA position 7879, G replaced by C.
Protein change: p.Gly2627Arg; replaces glycine 2627 with arginine.
Molecular consequence: missense variant.
Genome position (GRCh38, 1-based): chr15:48,415,708, C>G on the plus strand (G>C on the coding strand, the complement: FBN1 is on the minus strand). VCF-style: chr15-48415708-C-G. GRCh37 (hg19) VCF-style: chr15-48707905-C-G.
Other names: short protein forms G2627R.
Identifiers: ClinVar variation 372606 (VCV000372606.13), dbSNP rs193922239, ClinGen allele CA16042933.
Genomic context (GRCh38, chr15:48,415,708, plus strand): 5'-GGCATCCTCCACTGAACTGTTCATACTGGAAGCCGGCGGGACACATGCACTTGTAGCTCC[C>G]CAGGGTGTTGTGACAGGAGGCTCCTCCGCAGATGTGAGCGCTGAGGCATTCGTTTTCATC-3'
Protein context (NP_000129.3, residues 2617-2637): CGGASCHNTL[Gly2627Arg]SYKCMCPAGF